The following is an entry in ClinVar:

ClinVar aggregate classification (germline): Uncertain significance. Review status: criteria provided, multiple submitters, no conflicts (2 of 4 stars). 3 submissions from 3 submitters: Uncertain significance (3). Last evaluated 2025-03-04.

Conditions:
Hereditary cancer-predisposing syndrome. Also called: Neoplastic Syndromes, Hereditary; Hereditary Cancer Syndrome; Tumor predisposition; Hereditary neoplastic syndrome. Identifiers: Orphanet 140162, MedGen C0027672, MeSH D009386, MONDO:0015356.

Allele frequency attached by ClinVar (database versions not stated): 1000 Genomes Project 30x 0.00016.
gnomAD v4.1: 4 of 1,547,912 alleles (0.00026%); highest among the groups gnomAD compares: Non-Finnish European, 0.00035%; no homozygotes.

Submissions (3):

Center for Genomic Medicine, Rigshospitalet, Copenhagen University Hospital
Classification: Uncertain significance. Last evaluated: 2025-03-04. Review status: criteria provided, single submitter. Criteria: ACMG Guidelines, 2015. Collection method: clinical testing. Allele origin: germline.

Ambry Genetics
Classification: Uncertain significance for Hereditary cancer-predisposing syndrome. Last evaluated: 2025-01-06. Review status: criteria provided, single submitter. Criteria: Ambry Variant Classification Scheme 2023. Collection method: clinical testing. Allele origin: germline.
Comment: The p.A21V variant (also known as c.62C>T), located in coding exon 1 of the FH gene, results from a C to T substitution at nucleotide position 62. The alanine at codon 21 is replaced by valine, an amino acid with similar properties. This amino acid position is not well conserved in available vertebrate species, and valine is the reference amino acid in other vertebrate species. In addition, the in silico prediction for this alteration is inconclusive. Since supporting evidence is limited at this time, the clinical significance of this alteration remains unclear.

Labcorp Genetics (formerly Invitae), Labcorp
Classification: Uncertain significance. Last evaluated: 2024-02-15. Review status: criteria provided, single submitter. Criteria: Invitae Variant Classification Sherloc (09022015). Collection method: clinical testing. Allele origin: germline.
Comment: This sequence change replaces alanine, which is neutral and non-polar, with valine, which is neutral and non-polar, at codon 21 of the FH protein (p.Ala21Val). This variant is not present in population databases (gnomAD no frequency). This variant has not been reported in the literature in individuals affected with FH-related conditions. ClinVar contains an entry for this variant (Variation ID: 1376847). Advanced modeling of protein sequence and biophysical properties (such as structural, functional, and spatial information, amino acid conservation, physicochemical variation, residue mobility, and thermodynamic stability) performed at Invitae indicates that this missense variant is not expected to disrupt FH protein function with a negative predictive value of 95%. In summary, the available evidence is currently insufficient to determine the role of this variant in disease. Therefore, it has been classified as a Variant of Uncertain Significance.

NM_000143.4(FH):c.62C>T (p.Ala21Val)

Gene: FH (fumarate hydratase; minus strand). Cytogenetic location: 1q43.
Variant type: single nucleotide variant.
Coding change: c.62C>T on transcript NM_000143.4 (MANE Select); coding-DNA position 62, C replaced by T.
Protein change: p.Ala21Val; replaces alanine 21 with valine.
Molecular consequence: missense variant.
Genome position (GRCh38, 1-based): chr1:241,519,661, G>A on the plus strand (C>T on the coding strand, the complement: FH is on the minus strand). VCF-style: chr1-241519661-G-A. GRCh37 (hg19) VCF-style: chr1-241682961-G-A.
Other names: c.62C>T (NM_000143.3); short protein forms A21V.
Identifiers: ClinVar variation 1376847 (VCV001376847.17), dbSNP rs1131691251, ClinGen allele CA345442891.